The following is an entry in ClinVar:

ClinVar aggregate classification (germline): Likely benign (1 of 4 stars; one submission).

Allele frequency attached by ClinVar (database versions not stated): TOPMed below 0.00001.

Submission:

CeGaT Center for Human Genetics Tuebingen
Classification: Likely benign. Last evaluated: 2024-01-01. Review status: criteria provided, single submitter. Criteria: CeGaT Center For Human Genetics Tuebingen Variant Classification Criteria Version 2. Collection method: clinical testing. Allele origin: germline. Affected: yes. Observed: 2 variant alleles.
Comment: DCPS: PM2:Supporting, BP4, BP7

NM_014026.6(DCPS):c.377-1024C>T

Gene: DCPS (decapping enzyme, scavenger; plus strand). Cytogenetic location: 11q24.2.
Variant type: single nucleotide variant.
Coding change: c.377-1024C>T on transcript NM_014026.6 (MANE Select); 1024 bases into the intron before coding-DNA position 377, C replaced by T.
Molecular consequence: intron variant.
Genome position (GRCh38, 1-based): chr11:126,330,381, C>T. VCF-style: chr11-126330381-C-T. GRCh37 (hg19) VCF-style: chr11-126200276-C-T.
Other names: c.398-1024C>T (NM_001350236.2).
Identifiers: ClinVar variation 2642532 (VCV002642532.24), dbSNP rs1951773571, ClinGen allele CA2007077404.
Genomic context (GRCh38, chr11:126,330,381, plus strand): 5'-CAGAATTATCCAGGCCAAAATGTCAGTGGTGCTGAGATTGAGAAACCCTGGATTAAACAT[C>T]ACAGCACTTATGTGGTGTTTACTGTGTGCCAGACATTGTTTTAAGAACTTCACAGGTAAT-3'